The following is an entry in ClinVar:

NC_000011.10:g.2161289T>C

Gene: INS (insulin; minus strand). Cytogenetic location: 11p15.5.
Variant type: single nucleotide variant.
Genome position: GRCh38 VCF-style: chr11-2161289-T-C. GRCh37 (hg19) VCF-style: chr11-2182519-T-C.
Identifiers: ClinVar variation 435509 (VCV000435509.41), dbSNP rs571342427, ClinGen allele CA216276911.

ClinVar aggregate classification (germline): Conflicting classifications of pathogenicity. Review status: criteria provided, conflicting classifications (1 of 4 stars). 5 submissions from 5 submitters: Uncertain significance (1); Likely benign (3). 1 of the submissions does not count toward it. Last evaluated 2025-07-08.

Conditions:
INS-related disorder. Also called: INS-related condition.
Type 2 diabetes mellitus. Also called: Type II diabetes mellitus. Identifiers: MedGen C0011860, MeSH D003924, MONDO:0005148, OMIM 125853, HP:0005978.

Allele frequency attached by ClinVar (database versions not stated): gnomAD 0.00074 and 0.00080; TOPMed 0.00085.

Submissions (5):

Labcorp Genetics (formerly Invitae), Labcorp
Classification: Likely benign. Last evaluated: 2025-07-08. Review status: criteria provided, single submitter. Criteria: Invitae Variant Classification Sherloc (09022015). Collection method: clinical testing. Allele origin: germline.

CeGaT Center for Human Genetics Tuebingen
Classification: Likely benign. Last evaluated: 2022-08-01. Review status: criteria provided, single submitter. Criteria: CeGaT Center For Human Genetics Tuebingen Variant Classification Criteria Version 2. Collection method: clinical testing. Allele origin: germline. Affected: yes. Observed: 1 variant allele.
Comment: INS: BP5, BS1

Genetic Services Laboratory, University of Chicago
Classification: Uncertain significance. Last evaluated: 2017-02-02. Review status: criteria provided, single submitter. Criteria: ACMG Guidelines, 2015. Collection method: clinical testing. Allele origin: germline. Affected: no.

Clinical Genomics, Uppaluri K&H Personalized Medicine Clinic
Classification: Likely benign for Type 2 diabetes mellitus. Review status: criteria provided, single submitter. Criteria: K &amp; H Uppaluri Personalized Medicine Clinic Variant Classification &amp; Assertion Criteria_Updated V.1. Collection method: research. Allele origin: unknown. Inheritance: Autosomal dominant inheritance.
Comment: Potent mutations in the INS gene can cause early onset diabetes mellitus which is insulin dependent. May have poor response to sulfonylureas, mutations in this gene can cause beta cell destruction.Though rs571342427 is prevalent in Type Il Diabetes Mellitus cases, more evidence is required to ascertain the significance.

PreventionGenetics, part of Exact Sciences
Classification: Uncertain significance for INS-related condition. Last evaluated: 2024-07-09. Review status: no assertion criteria provided. Collection method: clinical testing. Allele origin: germline. Not counted in ClinVar's aggregate classification.
Comment: The INS c.-139A>G variant is located in the 5' untranslated region. This variant was reported in an individual with type 2 diabetes mellitus (reported as c.−80A>G in Malecki et al 2006. PubMed ID: 16741735). This variant is reported in 0.12% of alleles in individuals of Latino descent in gnomAD. This variant has interpretations of likely benign (3) to uncertain significance (1) in ClinVar. At this time, the clinical significance of this variant is uncertain due to the absence of conclusive functional and genetic evidence.

Literature cited by the submitters: PubMed 33830302 (cited by Clinical Genomics, Uppaluri K&H Personalized Medicine Clinic).